The following is an entry in ClinVar:

NM_000245.4(MET):c.1381C>T (p.Arg461Cys)

Gene: MET (MET proto-oncogene, receptor tyrosine kinase; plus strand). Cytogenetic location: 7q31.2.
Variant type: single nucleotide variant.
Coding change: c.1381C>T on transcript NM_000245.4 (MANE Select); coding-DNA position 1381, C replaced by T.
Protein change: p.Arg461Cys; replaces arginine 461 with cysteine.
Molecular consequence: missense variant.
Genome position (GRCh38, 1-based): chr7:116,731,848, C>T. VCF-style: chr7-116731848-C-T. GRCh37 (hg19) VCF-style: chr7-116371902-C-T.
Other names: c.1381C>T, p.Arg461Cys (NM_001127500.3, NM_001324401.3); c.91C>T, p.Arg31Cys (NM_001324402.2); short protein forms R31C, R461C.
Identifiers: ClinVar variation 819063 (VCV000819063.11), dbSNP rs1584914359, ClinGen allele CA368973126.

ClinVar aggregate classification (germline): Uncertain significance. Review status: criteria provided, multiple submitters, no conflicts (2 of 4 stars). 2 submissions from 2 submitters: Uncertain significance (2). Last evaluated 2025-07-14.

Conditions:
Renal cell carcinoma. Identifiers: Orphanet 217071, MedGen C0007134, MeSH D002292, MONDO:0005086, HP:0005584.
Hereditary cancer-predisposing syndrome. Also called: Tumor predisposition; Hereditary neoplastic syndrome; Neoplastic Syndromes, Hereditary; Hereditary Cancer Syndrome. Identifiers: Orphanet 140162, MedGen C0027672, MeSH D009386, MONDO:0015356.

Allele frequency attached by ClinVar (database versions not stated): gnomAD below 0.00001 and 0.00001.
gnomAD v4.1: 3 of 1,613,822 alleles (0.00019%); highest among the groups gnomAD compares: African/African-American, 0.0013%; no homozygotes.

Submissions (2):

Labcorp Genetics (formerly Invitae), Labcorp
Classification: Uncertain significance for Renal cell carcinoma. Last evaluated: 2025-07-14. Review status: criteria provided, single submitter. Criteria: Invitae Variant Classification Sherloc (09022015). Collection method: clinical testing. Allele origin: germline.
Comment: This sequence change replaces arginine, which is basic and polar, with cysteine, which is neutral and slightly polar, at codon 461 of the MET protein (p.Arg461Cys). This variant is not present in population databases (gnomAD no frequency). This variant has not been reported in the literature in individuals affected with MET-related conditions. ClinVar contains an entry for this variant (Variation ID: 819063). Invitae Evidence Modeling of protein sequence and biophysical properties (such as structural, functional, and spatial information, amino acid conservation, physicochemical variation, residue mobility, and thermodynamic stability) indicates that this missense variant is expected to disrupt MET protein function with a positive predictive value of 80%. In summary, the available evidence is currently insufficient to determine the role of this variant in disease. Therefore, it has been classified as a Variant of Uncertain Significance.

Ambry Genetics
Classification: Uncertain significance for Hereditary cancer-predisposing syndrome. Last evaluated: 2024-10-24. Review status: criteria provided, single submitter. Criteria: Ambry Variant Classification Scheme 2023. Collection method: clinical testing. Allele origin: germline.
Comment: The p.R461C variant (also known as c.1381C>T), located in coding exon 2 of the MET gene, results from a C to T substitution at nucleotide position 1381. The arginine at codon 461 is replaced by cysteine, an amino acid with highly dissimilar properties. This amino acid position is highly conserved in available vertebrate species. In addition, the in silico prediction for this alteration is inconclusive. Since supporting evidence is limited at this time, the clinical significance of this alteration remains unclear.